The following is an entry in ClinVar:

NM_024757.5(EHMT1):c.3599A>G (p.Asn1200Ser)

Gene: EHMT1 (euchromatic histone lysine methyltransferase 1; plus strand). Cytogenetic location: 9q34.3.
Variant type: single nucleotide variant.
Coding change: c.3599A>G on transcript NM_024757.5 (MANE Select); coding-DNA position 3599, A replaced by G.
Protein change: p.Asn1200Ser; replaces asparagine 1200 with serine.
Molecular consequence: missense variant.
Genome position (GRCh38, 1-based): chr9:137,834,407, A>G. VCF-style: chr9-137834407-A-G. GRCh37 (hg19) VCF-style: chr9-140728859-A-G.
Other names: c.3578A>G, p.Asn1193Ser (NM_001354263.2); short protein forms N1193S, N1200S.
Identifiers: ClinVar variation 1214627 (VCV001214627.9), dbSNP rs201181085, ClinGen allele CA201814125.
Genomic context (GRCh38, chr9:137,834,407, plus strand): 5'-AGGACGGGGAGGTTTACTGCATCGACGCGCGGTTCTACGGGAACGTCAGCCGGTTCATCA[A>G]CCACCACTGCGAGCCCAACCTGGTGCCCGTGCGCGTGTTCATGGCCCACCAGGACCTGCG-3'
Protein context (NP_079033.4, residues 1190-1210): RFYGNVSRFI[Asn1200Ser]HHCEPNLVPV

ClinVar aggregate classification (germline): Conflicting classifications of pathogenicity. Review status: criteria provided, conflicting classifications (1 of 4 stars). 3 submissions from 3 submitters: Uncertain significance (2); Likely benign (1). Last evaluated 2025-05-07.

Conditions:
Kleefstra syndrome 1 (KLEFS1). Identifiers: Orphanet 261494, MedGen C0795833, MONDO:0027407, OMIM 610253.
Inborn genetic diseases. Identifiers: MedGen C0950123, MeSH D030342.

Allele frequency attached by ClinVar (database versions not stated): TOPMed below 0.00001; gnomAD exomes 0.00001.
gnomAD v4.1: 14 of 1,613,260 alleles (0.00087%); highest among the groups gnomAD compares: Admixed American, 0.0017%; no homozygotes.

Submissions (3):

Labcorp Genetics (formerly Invitae), Labcorp
Classification: Uncertain significance for Kleefstra syndrome 1. Last evaluated: 2025-05-07. Review status: criteria provided, single submitter. Criteria: Invitae Variant Classification Sherloc (09022015). Collection method: clinical testing. Allele origin: germline.
Comment: This sequence change replaces asparagine, which is neutral and polar, with serine, which is neutral and polar, at codon 1200 of the EHMT1 protein (p.Asn1200Ser). This variant is present in population databases (rs201181085, gnomAD 0.003%). This variant has not been reported in the literature in individuals affected with EHMT1-related conditions. ClinVar contains an entry for this variant (Variation ID: 1214627). Invitae Evidence Modeling of protein sequence and biophysical properties (such as structural, functional, and spatial information, amino acid conservation, physicochemical variation, residue mobility, and thermodynamic stability) indicates that this missense variant is expected to disrupt EHMT1 protein function with a positive predictive value of 80%. In summary, the available evidence is currently insufficient to determine the role of this variant in disease. Therefore, it has been classified as a Variant of Uncertain Significance.

Ambry Genetics
Classification: Uncertain significance for Inborn genetic diseases. Last evaluated: 2025-04-12. Review status: criteria provided, single submitter. Criteria: Ambry Variant Classification Scheme 2023. Collection method: clinical testing. Allele origin: germline.

GeneDx
Classification: Likely benign. Last evaluated: 2020-09-08. Review status: criteria provided, single submitter. Criteria: GeneDx Variant Classification Process June 2021. Collection method: clinical testing. Allele origin: germline. Affected: yes.
Comment: In silico analysis supports that this missense variant has a deleterious effect on protein structure/function; Has not been previously published as pathogenic or benign to our knowledge